The following is an entry in ClinVar:

ClinVar aggregate classification (germline): Pathogenic/Likely pathogenic. Review status: criteria provided, multiple submitters, no conflicts (2 of 4 stars). 2 submissions from 2 submitters: Pathogenic (1); Likely pathogenic (1). Last evaluated 2024-03-14.

Conditions:
Arthrogryposis- oculomotor limitation-electroretinal anomalies syndrome. Also called: ARTHROGRYPOSIS WITH OCULOMOTOR LIMITATION AND ELECTRORETINAL ABNORMALITIES; ARTHROGRYPOSIS, DISTAL, TYPE IIB; ARTHROGRYPOSIS, DISTAL, TYPE 5. Identifiers: Orphanet 1154, MedGen C1862472, MONDO:0007158, OMIM 108145.

Submissions (2):

GeneDx
Classification: Pathogenic. Last evaluated: 2024-03-14. Review status: criteria provided, single submitter. Criteria: GeneDx Variant Classification Process June 2021. Collection method: clinical testing. Allele origin: germline. Affected: yes.
Comment: Not observed at significant frequency in large population cohorts (gnomAD); In silico analysis, which includes protein predictors and evolutionary conservation, supports a deleterious effect; This variant is associated with the following publications: (PMID: 35982159, 33057194, 36317804, 24726473)

Clinical Biomedical Laboratory, Shriners Hospital For Children - Canada
Classification: Likely pathogenic for Arthrogryposis- oculomotor limitation-electroretinal anomalies syndrome. Review status: criteria provided, single submitter. Criteria: ACMG Guidelines, 2015. Collection method: clinical testing. Allele origin: germline. Affected: yes.
Comment: This variant is predicted to substitute a methionine residue by a isoleucine residue. A missense variant affecting the same amino acid (c.2993T>C p.Met998Thr) has been reported (PMID: 24726473) as a cause of distal arthrogryposis type 5 in one individual. The variant is absent from the Genome Aggregation Database v.2.1.1. Computational tools: (SIFT = 0, damaging; Polyphen-2 = 0.85, detrimental; PhyloP = 6.0 conserved) suggest that the amino acid is conserved and that the change is detrimental to protein function. Based on the ACMG variant interpretation guidelines, the available evidence supports classification of this variant as likely pathogenic.

NM_001378183.1(PIEZO2):c.3069G>A (p.Met1023Ile)

Gene: PIEZO2 (piezo type mechanosensitive ion channel component 2; minus strand). Cytogenetic location: 18p11.22.
Variant type: single nucleotide variant.
Coding change: c.3069G>A on transcript NM_001378183.1 (MANE Select); coding-DNA position 3069, G replaced by A.
Protein change: p.Met1023Ile; replaces methionine 1023 with isoleucine.
Molecular consequence: missense variant.
Genome position (GRCh38, 1-based): chr18:10,762,976, C>T on the plus strand (G>A on the coding strand, the complement: PIEZO2 is on the minus strand). VCF-style: chr18-10762976-C-T. GRCh37 (hg19) VCF-style: chr18-10762974-C-T.
Other names: c.3069G>A, p.Met1023Ile (NM_001410871.1); c.2994G>A, p.Met998Ile (NM_022068.4); short protein forms M1023I, M998I.
Identifiers: ClinVar variation 3340624 (VCV003340624.2).
Genomic context (GRCh38, chr18:10,762,976, plus strand): 5'-GCTCACCAAGGAACAGTTAACAGAGAAGTTCTCAGGCTTAATGGTTTGGAGCTGGTACAA[C>T]ATTTTGCAGACGATGATCACACACGTCCAGACTGTGCAGACACTTGAAGCCAGACGGCGC-3'
Protein context (NP_001365112.1, residues 1013-1033): VWTCVIIVCK[Met1023Ile]LYQLQTIKPE